The following is an entry in ClinVar:

ClinVar aggregate classification (germline): Uncertain significance (1 of 4 stars; one submission).

Conditions:
Hereditary hyperferritinemia with congenital cataracts. Also called: HYPERFERRITINEMIA WITH OR WITHOUT CATARACT; Hereditary hyperferritinemia cataract syndrome; Bonneau-Beaumont syndrome. Identifiers: Orphanet 163, MedGen C1833213, MONDO:0010952, OMIM 600886.
Neuroferritinopathy (NBIA3). Also called: NEURODEGENERATION WITH BRAIN IRON ACCUMULATION 3; BASAL GANGLIA DISEASE, ADULT-ONSET. Identifiers: Orphanet 157846, MedGen C1853578, MONDO:0011638, OMIM 606159.

Submission:

Labcorp Genetics (formerly Invitae), Labcorp
Classification: Uncertain significance for Neuroferritinopathy; Hereditary hyperferritinemia with congenital cataracts. Last evaluated: 2024-03-14. Review status: criteria provided, single submitter. Criteria: Invitae Variant Classification Sherloc (09022015). Collection method: clinical testing. Allele origin: germline.
Comment: This sequence change replaces alanine, which is neutral and non-polar, with aspartic acid, which is acidic and polar, at codon 16 of the FTL protein (p.Ala16Asp). This variant is not present in population databases (gnomAD no frequency). This variant has not been reported in the literature in individuals affected with FTL-related conditions. An algorithm developed to predict the effect of missense changes on protein structure and function (PolyPhen-2) suggests that this variant is likely to be tolerated. In summary, the available evidence is currently insufficient to determine the role of this variant in disease. Therefore, it has been classified as a Variant of Uncertain Significance.

NM_000146.4(FTL):c.47C>A (p.Ala16Asp)

Genes: FTL (ferritin light chain; plus strand), LOC130064892 (ATAC-STARR-seq lymphoblastoid active region 14919; plus strand). Cytogenetic location: 19q13.33.
Variant type: single nucleotide variant.
Coding change: c.47C>A on transcript NM_000146.4 (MANE Select); coding-DNA position 47, C replaced by A.
Protein change: p.Ala16Asp; replaces alanine 16 with aspartic acid.
Molecular consequence: missense variant.
Genome position (GRCh38, 1-based): chr19:48,965,554, C>A. VCF-style: chr19-48965554-C-A. GRCh37 (hg19) VCF-style: chr19-49468811-C-A.
Other names: short protein forms A16D.
Identifiers: ClinVar variation 3755302 (VCV003755302.2).